The following is an entry in ClinVar:

ClinVar aggregate classification (germline): Likely benign (1 of 4 stars; one submission).

Allele frequency attached by ClinVar (database versions not stated): 1000 Genomes Project 0.00260; gnomAD 0.00378 and 0.00347; 1000 Genomes Project 30x 0.00281; TOPMed 0.00400.

Submission:

GeneDx
Classification: Likely benign. Last evaluated: 2018-06-14. Review status: criteria provided, single submitter. Criteria: GeneDx Variant Classification (06012015). Collection method: clinical testing. Allele origin: germline. Affected: yes.
Comment: This variant is considered likely benign or benign based on one or more of the following criteria: it is a conservative change, it occurs at a poorly conserved position in the protein, it is predicted to be benign by multiple in silico algorithms, and/or has population frequency not consistent with disease.

NM_015141.3(GPD1L):c.-365G>A

Gene: GPD1L (glycerol-3-phosphate dehydrogenase 1 like; plus strand). Cytogenetic location: 3p22.3.
Variant type: single nucleotide variant.
Coding change: c.-365G>A on transcript NM_015141.3; 365 bases upstream of the start codon, G replaced by A.
Genome position (GRCh38, 1-based): chr3:32,106,347, G>A. VCF-style: chr3-32106347-G-A. GRCh37 (hg19) VCF-style: chr3-32147839-G-A.
Identifiers: ClinVar variation 672822 (VCV000672822.3), dbSNP rs573499355, ClinGen allele CA72542239.
Genomic context (GRCh38, chr3:32,106,347, plus strand): 5'-AAGCTGGTTGGGTCTGCTCCACCCATGAGGATGGAGTGCAGCCTCCACCGGGAACCAGGG[G>A]CGCGAGTCGCTGCTCAGTGGCCTGGGCCTGCATGTGGCGCGGCGGGAGCTGCTGCCTAGG-3'